The following is an entry in ClinVar:

NM_017636.4(TRPM4):c.1400C>T (p.Ala467Val)

Gene: TRPM4 (transient receptor potential cation channel subfamily M member 4; plus strand). Cytogenetic location: 19q13.33.
Variant type: single nucleotide variant.
Coding change: c.1400C>T on transcript NM_017636.4 (MANE Select); coding-DNA position 1400, C replaced by T.
Protein change: p.Ala467Val; replaces alanine 467 with valine.
Molecular consequence: missense variant. On other transcripts: 5 prime UTR variant (1).
Genome position (GRCh38, 1-based): chr19:49,182,714, C>T. VCF-style: chr19-49182714-C-T. GRCh37 (hg19) VCF-style: chr19-49685971-C-T.
Other names: c.1400C>T, p.Ala467Val (NM_001195227.2); c.1055C>T, p.Ala352Val (NM_001321281.2); c.-154C>T (NM_001321282.2); c.878C>T, p.Ala293Val (NM_001321283.2); c.338C>T, p.Ala113Val (NM_001321285.2); short protein forms A293V, A352V, A467V, A113V.
Identifiers: ClinVar variation 1771789 (VCV001771789.2), dbSNP rs971423086, ClinGen allele CA406799265.

ClinVar aggregate classification (germline): Uncertain significance (1 of 4 stars; one submission).

Conditions:
Cardiovascular phenotype. Identifiers: MedGen CN230736.

gnomAD v4.1: 1 of 1,614,108 alleles (0.000062%); highest among the groups gnomAD compares: Non-Finnish European, 0.000085%; no homozygotes.

Submission:

Ambry Genetics
Classification: Uncertain significance for Cardiovascular phenotype. Last evaluated: 2022-03-03. Review status: criteria provided, single submitter. Criteria: Ambry Variant Classification Scheme 2023. Collection method: clinical testing. Allele origin: germline.
Comment: The p.A467V variant (also known as c.1400C>T), located in coding exon 11 of the TRPM4 gene, results from a C to T substitution at nucleotide position 1400. The alanine at codon 467 is replaced by valine, an amino acid with similar properties. This amino acid position is conserved. In addition, this alteration is predicted to be tolerated by in silico analysis. Since supporting evidence is limited at this time, the clinical significance of this alteration remains unclear.